The following is an entry in ClinVar:

NM_000742.4(CHRNA2):c.339+7G>A

Gene: CHRNA2 (cholinergic receptor nicotinic alpha 2 subunit; minus strand). Cytogenetic location: 8p21.2.
Variant type: single nucleotide variant.
Coding change: c.339+7G>A on transcript NM_000742.4 (MANE Select); 7 bases into the intron after coding-DNA position 339, G replaced by A.
Molecular consequence: intron variant.
Genome position (GRCh38, 1-based): chr8:27,469,328, C>T on the plus strand (G>A on the coding strand, the complement: CHRNA2 is on the minus strand). VCF-style: chr8-27469328-C-T. GRCh37 (hg19) VCF-style: chr8-27326845-C-T.
Other names: c.-134+7G>A (NM_001347705.2, NM_001347706.2); c.294+7G>A (NM_001282455.2); c.-123+7G>A (NM_001347708.2); c.-120+7G>A (NM_001347707.2).
Identifiers: ClinVar variation 506612 (VCV000506612.5), dbSNP rs1370162616, ClinGen allele CA580668219.
Genomic context (GRCh38, chr8:27,469,328, plus strand): 5'-CTGGAGGGGTCTGGGGTCCATGGATTCCCGGTACCCGCCACCTGGACTGGAGGAGGGGGG[C>T]CCTCACCTGTTTTAGCCAGACGTTGGTGGTCATCATTTGGTTCTTCTCATCCTGGCCCAG-3'

ClinVar aggregate classification (germline): Likely benign. Review status: criteria provided, multiple submitters, no conflicts (2 of 4 stars). 2 submissions from 2 submitters: Likely benign (2). Last evaluated 2022-10-18.

Conditions:
Familial sleep-related hypermotor epilepsy. Also called: Autosomal Dominant Sleep-Related Hypermotor (Hyperkinetic) Epilepsy. Identifiers: Orphanet 98784, MedGen C3696898, MONDO:0000030.

Allele frequency attached by ClinVar (database versions not stated): TOPMed 0.00001.

Submissions (2):

Labcorp Genetics (formerly Invitae), Labcorp
Classification: Likely benign. Last evaluated: 2022-10-18. Review status: criteria provided, single submitter. Criteria: Invitae Variant Classification Sherloc (09022015). Collection method: clinical testing. Allele origin: germline.

GeneDx
Classification: Likely benign. Last evaluated: 2017-01-27. Review status: criteria provided, single submitter. Criteria: GeneDx Variant Classification (06012015). Collection method: clinical testing. Allele origin: germline. Affected: yes.
Comment: This variant is considered likely benign or benign based on one or more of the following criteria: it is a conservative change, it occurs at a poorly conserved position in the protein, it is predicted to be benign by multiple in silico algorithms, and/or has population frequency not consistent with disease.